The following is an entry in ClinVar:

ClinVar aggregate classification (germline): Uncertain significance (1 of 4 stars; one submission).

Conditions:
Achondrogenesis, type IA (ACG1A). Identifiers: Orphanet 932, Orphanet 93299, MedGen C0265273, MONDO:0008701, OMIM 200600.

Allele frequency attached by ClinVar (database versions not stated): 1000 Genomes Project 30x 0.00016; 1000 Genomes Project 0.00020.
gnomAD v4.1: 8 of 1,614,176 alleles (0.0005%); highest among the groups gnomAD compares: East Asian, 0.018%; no homozygotes.

Submission:

Labcorp Genetics (formerly Invitae), Labcorp
Classification: Uncertain significance for Achondrogenesis, type IA. Last evaluated: 2022-02-09. Review status: criteria provided, single submitter. Criteria: Invitae Variant Classification Sherloc (09022015). Collection method: clinical testing. Allele origin: germline.
Comment: In summary, the available evidence is currently insufficient to determine the role of this variant in disease. Therefore, it has been classified as a Variant of Uncertain Significance. Algorithms developed to predict the effect of missense changes on protein structure and function are either unavailable or do not agree on the potential impact of this missense change (SIFT: "Not Available"; PolyPhen-2: "Possibly Damaging"; Align-GVGD: "Not Available"). This variant has not been reported in the literature in individuals affected with TRIP11-related conditions. This variant is present in population databases (rs201733332, gnomAD 0.03%). This sequence change replaces glutamic acid, which is acidic and polar, with aspartic acid, which is acidic and polar, at codon 1478 of the TRIP11 protein (p.Glu1478Asp).

NM_004239.4(TRIP11):c.4434A>T (p.Glu1478Asp)

Gene: TRIP11 (thyroid hormone receptor interactor 11; minus strand). Cytogenetic location: 14q32.12.
Variant type: single nucleotide variant.
Coding change: c.4434A>T on transcript NM_004239.4 (MANE Select); coding-DNA position 4434, A replaced by T.
Protein change: p.Glu1478Asp; replaces glutamic acid 1478 with aspartic acid.
Molecular consequence: missense variant.
Genome position (GRCh38, 1-based): chr14:92,003,542, T>A on the plus strand (A>T on the coding strand, the complement: TRIP11 is on the minus strand). VCF-style: chr14-92003542-T-A. GRCh37 (hg19) VCF-style: chr14-92469886-T-A.
Other names: c.4431A>T, p.Glu1477Asp (NM_001321851.1); short protein forms E1478D, E1477D.
Identifiers: ClinVar variation 1972661 (VCV001972661.5), dbSNP rs201733332, ClinGen allele CA7313458.